The following is an entry in ClinVar:

NM_000587.4(C7):c.2515G>A (p.Ala839Thr)

Gene: C7 (complement C7; plus strand). Cytogenetic location: 5p13.1.
Variant type: single nucleotide variant.
Coding change: c.2515G>A on transcript NM_000587.4 (MANE Select); coding-DNA position 2515, G replaced by A.
Protein change: p.Ala839Thr; replaces alanine 839 with threonine.
Molecular consequence: missense variant.
Genome position (GRCh38, 1-based): chr5:40,981,556, G>A. VCF-style: chr5-40981556-G-A. GRCh37 (hg19) VCF-style: chr5-40981658-G-A.
Other names: short protein forms A839T.
Identifiers: ClinVar variation 2242186 (VCV002242186.5), dbSNP rs1477390915, ClinGen allele CA359596601.
Genomic context (GRCh38, chr5:40,981,556, plus strand): 5'-GAGGCGGGCGCTCTGAGATGCAGAGGGCAGAGCATCTCTGTCACCAGCATAAGGCCTTGT[G>A]CTGCGGAAACCCAGTAGGCTCCTGGAGGCCCTGGTCAGCTTGCTTGGAATCCAGCAGGCA-3'
Protein context (NP_000578.2, residues 829-843): SISVTSIRPC[Ala839Thr]AETQ

ClinVar aggregate classification (germline): Uncertain significance. Review status: criteria provided, multiple submitters, no conflicts (2 of 4 stars). 2 submissions from 2 submitters: Uncertain significance (2). Last evaluated 2023-02-16.

Conditions:
Inborn genetic diseases. Identifiers: MedGen C0950123, MeSH D030342.

Allele frequency attached by ClinVar (database versions not stated): TOPMed below 0.00001; gnomAD 0.00001; gnomAD exomes 0.00001.
gnomAD v4.1: 13 of 1,610,740 alleles (0.00081%); highest among the groups gnomAD compares: Non-Finnish European, 0.0011%; no homozygotes.

Submissions (2):

Labcorp Genetics (formerly Invitae), Labcorp
Classification: Uncertain significance. Last evaluated: 2023-02-16. Review status: criteria provided, single submitter. Criteria: Invitae Variant Classification Sherloc (09022015). Collection method: clinical testing. Allele origin: germline.
Comment: In summary, the available evidence is currently insufficient to determine the role of this variant in disease. Therefore, it has been classified as a Variant of Uncertain Significance. Algorithms developed to predict the effect of missense changes on protein structure and function output the following: SIFT: "Not Available"; PolyPhen-2: "Benign"; Align-GVGD: "Not Available". The threonine amino acid residue is found in multiple mammalian species, which suggests that this missense change does not adversely affect protein function. This variant has not been reported in the literature in individuals affected with C7-related conditions. This variant is not present in population databases (gnomAD no frequency). This sequence change replaces alanine, which is neutral and non-polar, with threonine, which is neutral and polar, at codon 839 of the C7 protein (p.Ala839Thr).

Ambry Genetics
Classification: Uncertain significance for Inborn genetic diseases. Last evaluated: 2021-08-09. Review status: criteria provided, single submitter. Criteria: Ambry Variant Classification Scheme 2023. Collection method: clinical testing. Allele origin: germline.